The following is an entry in ClinVar:

ClinVar aggregate classification (germline): Conflicting classifications of pathogenicity. Review status: criteria provided, conflicting classifications (1 of 4 stars). 2 submissions from 2 submitters: Uncertain significance (1); Likely benign (1). Last evaluated 2025-02-02.

Conditions:
Developmental and epileptic encephalopathy, 29 (DEE29). Also called: Epileptic encephalopathy, early infantile, 29. Identifiers: Orphanet 442835, MedGen C4225361, MONDO:0014593, OMIM 616339.
Trichothiodystrophy 8, nonphotosensitive. Identifiers: MedGen C5562057, MONDO:0030517, OMIM 619691.
Charcot-Marie-Tooth disease type 2. Also called: Charcot-Marie-Tooth type 2. Identifiers: Orphanet 64746, MedGen C0270914, MONDO:0018993.

Allele frequency attached by ClinVar (database versions not stated): gnomAD 0.00001; gnomAD exomes below 0.00001; TOPMed 0.00001.
gnomAD v4.1: 3 of 1,614,066 alleles (0.00019%); highest among the groups gnomAD compares: South Asian, 0.0011%; no homozygotes.

Submissions (2):

Labcorp Genetics (formerly Invitae), Labcorp
Classification: Uncertain significance for Charcot-Marie-Tooth disease type 2. Last evaluated: 2025-02-02. Review status: criteria provided, single submitter. Criteria: Invitae Variant Classification Sherloc (09022015). Collection method: clinical testing. Allele origin: germline.
Comment: This sequence change replaces histidine, which is basic and polar, with arginine, which is basic and polar, at codon 336 of the AARS protein (p.His336Arg). This variant is present in population databases (no rsID available, gnomAD 0.007%). This variant has not been reported in the literature in individuals affected with AARS-related conditions. ClinVar contains an entry for this variant (Variation ID: 863746). Invitae Evidence Modeling of protein sequence and biophysical properties (such as structural, functional, and spatial information, amino acid conservation, physicochemical variation, residue mobility, and thermodynamic stability) indicates that this missense variant is not expected to disrupt AARS protein function with a negative predictive value of 95%. In summary, the available evidence is currently insufficient to determine the role of this variant in disease. Therefore, it has been classified as a Variant of Uncertain Significance.

3billion
Classification: Likely benign for Developmental and epileptic encephalopathy, 29; Trichothiodystrophy 8, nonphotosensitive. Last evaluated: 2024-09-20. Review status: criteria provided, single submitter. Criteria: ACMG Guidelines, 2015. Collection method: clinical testing. Allele origin: germline. Affected: no.
Comment: The homozygous variant was found in patients diagnosed with another variant in a different gene, with no symptoms related to the gene containing the homozygous variant.

NM_001605.3(AARS1):c.1007A>G (p.His336Arg)

Gene: AARS1 (alanyl-tRNA synthetase 1; minus strand). Cytogenetic location: 16q22.1.
Variant type: single nucleotide variant.
Coding change: c.1007A>G on transcript NM_001605.3 (MANE Select); coding-DNA position 1007, A replaced by G.
Protein change: p.His336Arg; replaces histidine 336 with arginine.
Molecular consequence: missense variant.
Genome position (GRCh38, 1-based): chr16:70,268,335, T>C on the plus strand (A>G on the coding strand, the complement: AARS1 is on the minus strand). VCF-style: chr16-70268335-T-C. GRCh37 (hg19) VCF-style: chr16-70302238-T-C.
Other names: short protein forms H336R.
Identifiers: ClinVar variation 863746 (VCV000863746.10), dbSNP rs1025002934, ClinGen allele CA283438550.
Genomic context (GRCh38, chr16:70,268,335, plus strand): 5'-GACTGGACGACAACATCCACTAACGTAGCAAAGAAGCCCCTGCTGGCATTGAGCTTTTCA[T>C]GGGCGTATCGGACAGCTCGGCGGAGAATCCGTCTCAACACATATCTGTAAGAGGCAAAAA-3'
Protein context (NP_001596.2, residues 326-346): RILRRAVRYA[His336Arg]EKLNASRGFF